The following is an entry in ClinVar:

NM_133497.4(KCNV2):c.1500C>G (p.Tyr500Ter)

Gene: KCNV2 (potassium voltage-gated channel modifier subfamily V member 2; plus strand). Cytogenetic location: 9p24.2.
Variant type: single nucleotide variant.
Coding change: c.1500C>G on transcript NM_133497.4 (MANE Select); coding-DNA position 1500, C replaced by G.
Protein change: p.Tyr500Ter; replaces tyrosine 500 with a stop codon.
Molecular consequence: nonsense.
Genome position (GRCh38, 1-based): chr9:2,729,589, C>G. VCF-style: chr9-2729589-C-G. GRCh37 (hg19) VCF-style: chr9-2729589-C-G.
Other names: c.1500C>G (NM_133497.2); short protein forms Y500*.
Identifiers: ClinVar variation 2098515 (VCV002098515.6), dbSNP rs1479733252, ClinGen allele CA372803595.

ClinVar aggregate classification (germline): Conflicting classifications of pathogenicity. Review status: criteria provided, conflicting classifications (1 of 4 stars). 2 submissions from 2 submitters: Likely pathogenic (1); Uncertain significance (1). Last evaluated 2025-01-06.

Conditions:
Cone dystrophy with supernormal rod response (CDSRR). Also called: CONE DYSTROPHY WITH SUPERNORMAL ROD RESPONSES. Identifiers: Orphanet 209932, MedGen C1835897, MONDO:0012475, OMIM 610356.

Submissions (2):

Labcorp Genetics (formerly Invitae), Labcorp
Classification: Uncertain significance. Last evaluated: 2025-01-06. Review status: criteria provided, single submitter. Criteria: Invitae Variant Classification Sherloc (09022015). Collection method: clinical testing. Allele origin: germline.
Comment: This sequence change creates a premature translational stop signal (p.Tyr500*) in the KCNV2 gene. While this is not anticipated to result in nonsense mediated decay, it is expected to disrupt the last 46 amino acid(s) of the KCNV2 protein. This variant is present in population databases (no rsID available, gnomAD 0.003%). This premature translational stop signal has been observed in individuals with KCNV2-related conditions (PMID: 33372566; internal data). ClinVar contains an entry for this variant (Variation ID: 2098515). Experimental studies and prediction algorithms are not available or were not evaluated, and the functional significance of this variant is currently unknown. In summary, the available evidence is currently insufficient to determine the role of this variant in disease. Therefore, it has been classified as a Variant of Uncertain Significance.

Department of Medical Genetics, College of Basic Medicine, Army Medical University
Classification: Likely pathogenic for Cone dystrophy with supernormal rod response. Review status: criteria provided, single submitter. Criteria: ACMG Guidelines, 2015. Collection method: clinical testing. Allele origin: paternal. Affected: yes.

Literature cited by the submitters: PubMed 33372566 (cited by Labcorp Genetics (formerly Invitae), Labcorp).